The following is an entry in ClinVar:

NM_001039141.3(TRIOBP):c.6399C>T (p.His2133=)

Gene: TRIOBP (TRIO and F-actin binding protein; plus strand). Cytogenetic location: 22q13.1.
Variant type: single nucleotide variant.
Coding change: c.6399C>T on transcript NM_001039141.3 (MANE Select); coding-DNA position 6399, C replaced by T.
Protein change: p.His2133=; no amino-acid change (histidine 2133 retained).
Molecular consequence: synonymous variant.
Genome position (GRCh38, 1-based): chr22:37,765,744, C>T. VCF-style: chr22-37765744-C-T. GRCh37 (hg19) VCF-style: chr22-38161751-C-T.
Other names: c.1260C>T, p.His420= (NM_007032.5).
Identifiers: ClinVar variation 3053569 (VCV003053569.2), dbSNP rs774390233, ClinGen allele CA10225015.

ClinVar aggregate classification (germline): Likely benign (0 of 4 stars; one submission).

Conditions:
TRIOBP-related disorder. Also called: TRIOBP-related condition.

Allele frequency attached by ClinVar (database versions not stated): gnomAD 0.00001; TOPMed 0.00001; ExAC 0.00004.
gnomAD v4.1: 10 of 1,572,332 alleles (0.00064%); highest among the groups gnomAD compares: East Asian, 0.0071%; no homozygotes.

Submission:

PreventionGenetics, part of Exact Sciences
Classification: Likely benign for TRIOBP-related condition. Last evaluated: 2019-09-05. Review status: no assertion criteria provided. Collection method: clinical testing. Allele origin: germline.
Comment: This variant is classified as likely benign based on ACMG/AMP sequence variant interpretation guidelines (Richards et al. 2015 PMID: 25741868, with internal and published modifications).